The following is an entry in ClinVar:

NM_001042492.3(NF1):c.5974A>G (p.Ile1992Val)

Gene: NF1 (neurofibromin 1; plus strand). Cytogenetic location: 17q11.2.
Variant type: single nucleotide variant.
Coding change: c.5974A>G on transcript NM_001042492.3 (MANE Select); coding-DNA position 5974, A replaced by G.
Protein change: p.Ile1992Val; replaces isoleucine 1992 with valine.
Molecular consequence: missense variant.
Genome position (GRCh38, 1-based): chr17:31,334,999, A>G. VCF-style: chr17-31334999-A-G. GRCh37 (hg19) VCF-style: chr17-29662017-A-G.
Other names: c.5911A>G, p.Ile1971Val (NM_000267.4); short protein forms I1971V, I1992V.
Identifiers: ClinVar variation 1947404 (VCV001947404.5), dbSNP rs1597840279, ClinGen allele CA399010909.

ClinVar aggregate classification (germline): Uncertain significance (1 of 4 stars; one submission).

Conditions:
Neurofibromatosis, type 1 (NF1). Also called: NEUROFIBROMATOSIS, TYPE I, SOMATIC; VON RECKLINGHAUSEN DISEASE; Peripheral type neurofibromatosis; Neurofibromatosis, type I. Identifiers: Orphanet 636, MedGen C0027831, MONDO:0018975, OMIM 162200. Disease mechanism: loss of function.

Submission:

Labcorp Genetics (formerly Invitae), Labcorp
Classification: Uncertain significance for Neurofibromatosis, type 1. Last evaluated: 2022-07-16. Review status: criteria provided, single submitter. Criteria: Invitae Variant Classification Sherloc (09022015). Collection method: clinical testing. Allele origin: germline.
Comment: This variant has not been reported in the literature in individuals affected with NF1-related conditions. In summary, the available evidence is currently insufficient to determine the role of this variant in disease. Therefore, it has been classified as a Variant of Uncertain Significance. Advanced modeling of protein sequence and biophysical properties (such as structural, functional, and spatial information, amino acid conservation, physicochemical variation, residue mobility, and thermodynamic stability) performed at Invitae indicates that this missense variant is not expected to disrupt NF1 protein function. This variant is not present in population databases (gnomAD no frequency). This sequence change replaces isoleucine, which is neutral and non-polar, with valine, which is neutral and non-polar, at codon 1971 of the NF1 protein (p.Ile1971Val).